The following is an entry in ClinVar:

NM_001160372.4(TRAPPC9):c.1412C>T (p.Ser471Phe)

Gene: TRAPPC9 (trafficking protein particle complex subunit 9; minus strand). Cytogenetic location: 8q24.3.
Variant type: single nucleotide variant.
Coding change: c.1412C>T on transcript NM_001160372.4 (MANE Select); coding-DNA position 1412, C replaced by T.
Protein change: p.Ser471Phe; replaces serine 471 with phenylalanine.
Molecular consequence: missense variant. On other transcripts: non-coding transcript variant (1), intron variant (1).
Genome position (GRCh38, 1-based): chr8:140,360,133, G>A on the plus strand (C>T on the coding strand, the complement: TRAPPC9 is on the minus strand). VCF-style: chr8-140360133-G-A. GRCh37 (hg19) VCF-style: chr8-141370232-G-A.
Other names: c.1385C>T, p.Ser462Phe (NM_001321646.2); c.1433C>T, p.Ser478Phe (NM_001374682.1); c.1412C>T, p.Ser471Phe (NM_001374683.1, NM_031466.8); c.1351+10831C>T (NM_001374684.1); c.1706C>T (NM_031466.5); short protein forms S462F, S471F, S478F.
Identifiers: ClinVar variation 2732017 (VCV002732017.5), dbSNP rs2540025361, ClinGen allele CA372316541.

ClinVar aggregate classification (germline): Uncertain significance. Review status: criteria provided, multiple submitters, no conflicts (2 of 4 stars). 2 submissions from 2 submitters: Uncertain significance (2). Last evaluated 2026-10-08.

Allele frequency attached by ClinVar (database versions not stated): gnomAD exomes below 0.00001.
gnomAD v4.1: 1 of 1,614,204 alleles (0.000062%); highest among the groups gnomAD compares: Non-Finnish European, 0.000085%; no homozygotes.

Submissions (2):

GeneDx
Classification: Uncertain significance. Last evaluated: 2026-10-08. Review status: criteria provided, single submitter. Criteria: GeneDx Variant Classification Process June 2021. Collection method: clinical testing. Allele origin: germline.
Comment: Not observed at significant frequency in large population cohorts (gnomAD); In silico analysis supports that this missense variant has a deleterious effect on protein structure/function; Has not been previously published as pathogenic or benign to our knowledge

Labcorp Genetics (formerly Invitae), Labcorp
Classification: Uncertain significance. Last evaluated: 2023-11-03. Review status: criteria provided, single submitter. Criteria: Invitae Variant Classification Sherloc (09022015). Collection method: clinical testing. Allele origin: germline.
Comment: This sequence change replaces serine, which is neutral and polar, with phenylalanine, which is neutral and non-polar, at codon 569 of the TRAPPC9 protein (p.Ser569Phe). This variant is not present in population databases (gnomAD no frequency). This variant has not been reported in the literature in individuals affected with TRAPPC9-related conditions. An algorithm developed to predict the effect of missense changes on protein structure and function (PolyPhen-2) suggests that this variant is likely to be disruptive. In summary, the available evidence is currently insufficient to determine the role of this variant in disease. Therefore, it has been classified as a Variant of Uncertain Significance.